The following is an entry in ClinVar:

ClinVar aggregate classification (germline): Likely benign (0 of 4 stars; one submission).

Conditions:
TLR2-related disorder. Also called: TLR2-related condition.

Allele frequency attached by ClinVar (database versions not stated): TOPMed 0.00061; 1000 Genomes Project 30x 0.00078; 1000 Genomes Project 0.00080; gnomAD exomes 0.00006; ExAC 0.00016; ESP Exome Variant Server 0.00038.
gnomAD v4.1: 182 of 1,614,078 alleles (0.011%); highest among the groups gnomAD compares: African/African-American, 0.22%; no homozygotes.

Submission:

PreventionGenetics, part of Exact Sciences
Classification: Likely benign for TLR2-related condition. Last evaluated: 2019-06-02. Review status: no assertion criteria provided. Collection method: clinical testing. Allele origin: germline.
Comment: This variant is classified as likely benign based on ACMG/AMP sequence variant interpretation guidelines (Richards et al. 2015 PMID: 25741868, with internal and published modifications).

NM_001318789.2(TLR2):c.77C>T (p.Ala26Val)

Gene: TLR2 (toll like receptor 2; plus strand). Cytogenetic location: 4q31.3.
Variant type: single nucleotide variant.
Coding change: c.77C>T on transcript NM_001318789.2 (MANE Select); coding-DNA position 77, C replaced by T.
Protein change: p.Ala26Val; replaces alanine 26 with valine.
Molecular consequence: missense variant.
Genome position (GRCh38, 1-based): chr4:153,702,984, C>T. VCF-style: chr4-153702984-C-T. GRCh37 (hg19) VCF-style: chr4-154624136-C-T.
Other names: c.77C>T, p.Ala26Val (NM_001318787.2, NM_001318790.2, NM_001318791.2 and 4 more transcripts); short protein forms A26V.
Identifiers: ClinVar variation 3041199 (VCV003041199.2), dbSNP rs145391095, ClinGen allele CA3110660.